The following is an entry in ClinVar:

ClinVar aggregate classification (germline): Likely benign. Review status: criteria provided, multiple submitters, no conflicts (2 of 4 stars). 2 submissions from 2 submitters: Likely benign (2). Last evaluated 2026-03-03.

Conditions:
Hereditary cancer-predisposing syndrome. Also called: Hereditary neoplastic syndrome; Tumor predisposition; Hereditary Cancer Syndrome; Neoplastic Syndromes, Hereditary. Identifiers: Orphanet 140162, MedGen C0027672, MeSH D009386, MONDO:0015356.
RET-related disorder. Also called: RET-related condition; RET-related disease; RET-related disorders.

Submissions (2):

Ambry Genetics
Classification: Likely benign for Hereditary cancer-predisposing syndrome. Last evaluated: 2026-03-03. Review status: criteria provided, single submitter. Criteria: Ambry Variant Classification Scheme 2023. Collection method: clinical testing. Allele origin: germline.

PreventionGenetics, part of Exact Sciences
Classification: Likely benign for RET-related condition. Last evaluated: 2026-01-09. Review status: criteria provided, single submitter. Criteria: ACMG Guidelines, 2015. Collection method: clinical testing. Allele origin: germline.
Comment: This variant is classified as likely benign based on ACMG/AMP sequence variant interpretation guidelines (Richards et al. 2015 PMID: 25741868, with internal and published modifications).

NM_020975.6(RET):c.777G>C (p.Pro259=)

Gene: RET (ret proto-oncogene; plus strand). Cytogenetic location: 10q11.21.
Variant type: single nucleotide variant.
Coding change: c.777G>C on transcript NM_020975.6 (MANE Select); coding-DNA position 777, G replaced by C.
Protein change: p.Pro259=; no amino-acid change (proline 259 retained).
Molecular consequence: synonymous variant. On other transcripts: intron variant (22).
Genome position (GRCh38, 1-based): chr10:43,105,103, G>C. VCF-style: chr10-43105103-G-C. GRCh37 (hg19) VCF-style: chr10-43600551-G-C.
Other names: c.15G>C, p.Pro5= (NM_001355216.2); c.777G>C, p.Pro259= (NM_001406743.1, NM_001406744.1, NM_001406759.1 and 6 more transcripts); c.648G>C, p.Pro216= (NM_001406761.1, NM_001406762.1, NM_001406764.1 and 2 more transcripts); c.489G>C, p.Pro163= (NM_001406766.1, NM_001406767.1, NM_001406770.1); c.625+2474G>C (NM_001406773.1, NM_001406771.1, NM_001406782.1 and 5 more transcripts); c.496+2474G>C (NM_001406786.1, NM_001406783.1); c.338-3928G>C (NM_001406778.1, NM_001406775.1, NM_001406776.1 and 1 more transcripts); c.337+4381G>C (NM_001406790.1, NM_001406788.1, NM_001406789.1 and 1 more transcripts); and 2 more.
Identifiers: ClinVar variation 4827660 (VCV004827660.2).